The following is an entry in ClinVar:

NM_002900.3(RBP3):c.1636_1637delinsAA (p.Ala546Asn)

Gene: RBP3 (retinol binding protein 3; plus strand). Cytogenetic location: 10q11.22.
Variant type: Indel.
Coding change: c.1636_1637delinsAA on transcript NM_002900.3 (MANE Select); coding-DNA positions 1636 to 1637, GC replaced by AA.
Protein change: p.Ala546Asn; replaces alanine 546 with asparagine.
Molecular consequence: missense variant.
Genome position (GRCh38, 1-based): chr10:47,350,120-47,350,121, GC replaced by AA. VCF-style: chr10-47350120-GC-AA. GRCh37 (hg19) VCF-style: chr10-48389241-GC-TT.
Other names: short protein forms A546N.
Identifiers: ClinVar variation 940355 (VCV000940355.9), dbSNP rs1836938847, ClinGen allele CA1139661429.

ClinVar aggregate classification (germline): Uncertain significance (1 of 4 stars; one submission).

Submission:

Labcorp Genetics (formerly Invitae), Labcorp
Classification: Uncertain significance. Last evaluated: 2022-10-13. Review status: criteria provided, single submitter. Criteria: Invitae Variant Classification Sherloc (09022015). Collection method: clinical testing. Allele origin: germline.
Comment: This sequence change replaces alanine, which is neutral and non-polar, with asparagine, which is neutral and polar, at codon 546 of the RBP3 protein (p.Ala546Asn). Information on the frequency of this variant in the gnomAD database is not available, as this variant may be reported differently in the database. This variant has not been reported in the literature in individuals affected with RBP3-related conditions. ClinVar contains an entry for this variant (Variation ID: 940355). Algorithms developed to predict the effect of missense changes on protein structure and function are either unavailable or do not agree on the potential impact of this missense change (SIFT: "Not Available"; PolyPhen-2: "Possibly Damaging"; Align-GVGD: "Not Available"). In summary, the available evidence is currently insufficient to determine the role of this variant in disease. Therefore, it has been classified as a Variant of Uncertain Significance.